The following is an entry in ClinVar:

ClinVar aggregate classification (germline): Likely benign (0 of 4 stars; one submission).

Conditions:
XRCC3-related disorder. Also called: XRCC3-related condition.

Allele frequency attached by ClinVar (database versions not stated): gnomAD 0.00141; ESP Exome Variant Server 0.00154; TOPMed 0.00162; 1000 Genomes Project 30x 0.00219; 1000 Genomes Project 0.00220.
gnomAD v4.1: 765 of 1,600,194 alleles (0.048%); highest among the groups gnomAD compares: African/African-American, 0.45%; 2 homozygotes.

Submission:

PreventionGenetics, part of Exact Sciences
Classification: Likely benign for XRCC3-related condition. Last evaluated: 2019-06-11. Review status: no assertion criteria provided. Collection method: clinical testing. Allele origin: germline.
Comment: This variant is classified as likely benign based on ACMG/AMP sequence variant interpretation guidelines (Richards et al. 2015 PMID: 25741868, with internal and published modifications).

NM_005432.4(XRCC3):c.905G>A (p.Arg302His)

Genes: KLC1 (kinesin light chain 1; plus strand), XRCC3 (X-ray repair cross complementing 3; minus strand). Cytogenetic location: 14q32.33.
Variant type: single nucleotide variant.
Coding change: c.905G>A on transcript NM_005432.4 (MANE Select); coding-DNA position 905, G replaced by A.
Protein change: p.Arg302His; replaces arginine 302 with histidine.
Molecular consequence: missense variant. On other transcripts: intron variant (15).
Genome position (GRCh38, 1-based): chr14:103,698,934, C>T on the plus strand (G>A on the coding strand, the complement: XRCC3 is on the minus strand). VCF-style: chr14-103698934-C-T. GRCh37 (hg19) VCF-style: chr14-104165271-C-T.
Other names: c.905G>A, p.Arg302His (NM_001100118.2, NM_001100119.2, NM_001371229.1 and 2 more transcripts); c.1924-1721C>T (NM_001394832.1); c.1857-1721C>T (NM_001394836.1); c.1726-1721C>T (NM_001394846.1); c.1897-1721C>T (NM_001394834.1); c.1830-1721C>T (NM_001394839.1); c.1699-1721C>T (NM_001394848.1); c.1849-1721C>T (NM_001394837.1); and 8 more; short protein forms R302H.
Identifiers: ClinVar variation 3033087 (VCV003033087.2), dbSNP rs28903081, ClinGen allele CA7366294.
Genomic context (GRCh38, chr14:103,698,934, plus strand): 5'-TGGGGGGCAGAGAGCACCCGCAGGGTCCGGGCTGGGCAGCCGAGGGCAGCCTCTTCCTCG[C>T]GGAGCCGGTCAGCCAGCAGTCTCACCAGGAGCTGGTTAGCCCAGGTTATGCCAAGGGCTG-3'
Protein context (NP_005423.1, residues 292-312): LLVRLLADRL[Arg302His]EEEAALGCPA